The following is an entry in ClinVar:

NM_001195553.2(DCX):c.1068G>A (p.Leu356=)

Gene: DCX (doublecortin; minus strand). Cytogenetic location: Xq23.
Variant type: single nucleotide variant.
Coding change: c.1068G>A on transcript NM_001195553.2 (MANE Select); coding-DNA position 1068, G replaced by A.
Protein change: p.Leu356=; no amino-acid change (leucine 356 retained).
Molecular consequence: synonymous variant. On other transcripts: missense variant (3).
Genome position (GRCh38, 1-based): chrX:111,301,720, C>T on the plus strand (G>A on the coding strand, the complement: DCX is on the minus strand). VCF-style: chrX-111301720-C-T. GRCh37 (hg19) VCF-style: chrX-110544948-C-T.
Other names: c.1293G>A, p.Leu431= (NM_000555.3); c.1068G>A, p.Leu356= (NM_001369370.1); c.1065G>A, p.Leu355= (NM_001369371.1, NM_178152.3); c.1053G>A, p.Leu351= (NM_001369372.1); c.955G>A, p.Gly319Arg (NM_001369373.1, NM_001369374.1); c.970G>A, p.Gly324Arg (NM_001410715.1); c.1050G>A, p.Leu350= (NM_178151.3, NM_178153.3); short protein forms G319R, G324R.
Identifiers: ClinVar variation 2024484 (VCV002024484.4), dbSNP rs2524627966, ClinGen allele CA518028352.

ClinVar aggregate classification (germline): Uncertain significance (1 of 4 stars; one submission).

gnomAD v4.1: 1 of 1,211,507 alleles (0.000083%); no homozygotes.

Submission:

Labcorp Genetics (formerly Invitae), Labcorp
Classification: Uncertain significance. Last evaluated: 2023-02-27. Review status: criteria provided, single submitter. Criteria: Invitae Variant Classification Sherloc (09022015). Collection method: clinical testing. Allele origin: germline.
Comment: This variant has not been reported in the literature in individuals affected with DCX-related conditions. This variant is not present in population databases (gnomAD no frequency). This sequence change affects codon 350 of the DCX mRNA. It is a 'silent' change, meaning that it does not change the encoded amino acid sequence of the DCX protein. Algorithms developed to predict the effect of sequence changes on RNA splicing suggest that this variant may disrupt the consensus splice site. ClinVar contains an entry for this variant (Variation ID: 2024484). In summary, the available evidence is currently insufficient to determine the role of this variant in disease. Therefore, it has been classified as a Variant of Uncertain Significance.